The following is an entry in ClinVar:

NM_006922.4(SCN3A):c.881A>G (p.Tyr294Cys)

Gene: SCN3A (sodium voltage-gated channel alpha subunit 3; minus strand). Cytogenetic location: 2q24.3.
Variant type: single nucleotide variant.
Coding change: c.881A>G on transcript NM_006922.4 (MANE Select); coding-DNA position 881, A replaced by G.
Protein change: p.Tyr294Cys; replaces tyrosine 294 with cysteine.
Molecular consequence: missense variant.
Genome position (GRCh38, 1-based): chr2:165,162,642, T>C on the plus strand (A>G on the coding strand, the complement: SCN3A is on the minus strand). VCF-style: chr2-165162642-T-C. GRCh37 (hg19) VCF-style: chr2-166019152-T-C.
Other names: c.881A>G, p.Tyr294Cys (NM_001081676.2, NM_001081677.2); short protein forms Y294C.
Identifiers: ClinVar variation 2808401 (VCV002808401.3), dbSNP rs947183597, ClinGen allele CA60230238.

ClinVar aggregate classification (germline): Uncertain significance (1 of 4 stars; one submission).

Submission:

Labcorp Genetics (formerly Invitae), Labcorp
Classification: Uncertain significance. Last evaluated: 2025-10-10. Review status: criteria provided, single submitter. Criteria: Invitae Variant Classification Sherloc (09022015). Collection method: clinical testing. Allele origin: germline.
Comment: This sequence change replaces tyrosine, which is neutral and polar, with cysteine, which is neutral and slightly polar, at codon 294 of the SCN3A protein (p.Tyr294Cys). This variant is not present in population databases (gnomAD no frequency). This variant has not been reported in the literature in individuals affected with SCN3A-related conditions. ClinVar contains an entry for this variant (Variation ID: 2808401). Invitae Evidence Modeling of protein sequence and biophysical properties (such as structural, functional, and spatial information, amino acid conservation, physicochemical variation, residue mobility, and thermodynamic stability) indicates that this missense variant is not expected to disrupt SCN3A protein function with a negative predictive value of 95%. In summary, the available evidence is currently insufficient to determine the role of this variant in disease. Therefore, it has been classified as a Variant of Uncertain Significance.